The following is an entry in ClinVar:

NM_000334.4(SCN4A):c.4210A>G (p.Met1404Val)

Genes: GH-LCR (growth hormone locus control region; plus strand), SCN4A (sodium voltage-gated channel alpha subunit 4; minus strand). Cytogenetic location: 17q23.3.
Variant type: single nucleotide variant.
Coding change: c.4210A>G on transcript NM_000334.4 (MANE Select); coding-DNA position 4210, A replaced by G.
Protein change: p.Met1404Val; replaces methionine 1404 with valine.
Molecular consequence: missense variant.
Genome position (GRCh38, 1-based): chr17:63,942,904, T>C on the plus strand (A>G on the coding strand, the complement: SCN4A is on the minus strand). VCF-style: chr17-63942904-T-C. GRCh37 (hg19) VCF-style: chr17-62020264-T-C.
Other names: short protein forms M1404V.
Identifiers: ClinVar variation 3684333 (VCV003684333.2).

ClinVar aggregate classification (germline): Uncertain significance (1 of 4 stars; one submission).

Conditions:
Hyperkalemic periodic paralysis. Also called: Familial hyperkalemic periodic paralysis; Gamstorp disease. Identifiers: Orphanet 682, MedGen C0238357, MONDO:0008224, OMIM 170500, HP:0007215.

Submission:

Labcorp Genetics (formerly Invitae), Labcorp
Classification: Uncertain significance for Hyperkalemic periodic paralysis. Last evaluated: 2024-07-17. Review status: criteria provided, single submitter. Criteria: Invitae Variant Classification Sherloc (09022015). Collection method: clinical testing. Allele origin: germline.
Comment: This sequence change replaces methionine, which is neutral and non-polar, with valine, which is neutral and non-polar, at codon 1404 of the SCN4A protein (p.Met1404Val). This variant is not present in population databases (gnomAD no frequency). This variant has not been reported in the literature in individuals affected with SCN4A-related conditions. Advanced modeling of protein sequence and biophysical properties (such as structural, functional, and spatial information, amino acid conservation, physicochemical variation, residue mobility, and thermodynamic stability) performed at Invitae indicates that this missense variant is not expected to disrupt SCN4A protein function with a negative predictive value of 95%. In summary, the available evidence is currently insufficient to determine the role of this variant in disease. Therefore, it has been classified as a Variant of Uncertain Significance.